The following is an entry in ClinVar:

ClinVar aggregate classification (germline): Uncertain significance (1 of 4 stars; one submission).

Conditions:
Cortical dysplasia-focal epilepsy syndrome (PTHSL1). Also called: Pitt-Hopkins-like syndrome 1. Identifiers: Orphanet 163681, Orphanet 221150, MedGen C2750246, MONDO:0012400, OMIM 610042.

Allele frequency attached by ClinVar (database versions not stated): gnomAD exomes below 0.00001 and 0.00001; ExAC 0.00001; gnomAD 0.00001; TOPMed 0.00001; 1000 Genomes Project 30x 0.00016; 1000 Genomes Project 0.00020.
gnomAD v4.1: 8 of 1,614,086 alleles (0.0005%); highest among the groups gnomAD compares: African/African-American, 0.0013%; no homozygotes.

Submission:

Labcorp Genetics (formerly Invitae), Labcorp
Classification: Uncertain significance for Cortical dysplasia-focal epilepsy syndrome. Last evaluated: 2021-12-15. Review status: criteria provided, single submitter. Criteria: Invitae Variant Classification Sherloc (09022015). Collection method: clinical testing. Allele origin: germline.
Comment: This sequence change replaces aspartic acid, which is acidic and polar, with asparagine, which is neutral and polar, at codon 879 of the CNTNAP2 protein (p.Asp879Asn). This variant is present in population databases (rs201187461, gnomAD 0.003%). This variant has not been reported in the literature in individuals affected with CNTNAP2-related conditions. Algorithms developed to predict the effect of missense changes on protein structure and function are either unavailable or do not agree on the potential impact of this missense change (SIFT: "Deleterious"; PolyPhen-2: "Probably Damaging"; Align-GVGD: "Class C15"). In summary, the available evidence is currently insufficient to determine the role of this variant in disease. Therefore, it has been classified as a Variant of Uncertain Significance.

NM_014141.6(CNTNAP2):c.2635G>A (p.Asp879Asn)

Gene: CNTNAP2 (contactin associated protein 2; plus strand). Cytogenetic location: 7q35.
Variant type: single nucleotide variant.
Coding change: c.2635G>A on transcript NM_014141.6 (MANE Select); coding-DNA position 2635, G replaced by A.
Protein change: p.Asp879Asn; replaces aspartic acid 879 with asparagine.
Molecular consequence: missense variant.
Genome position (GRCh38, 1-based): chr7:148,147,571, G>A. VCF-style: chr7-148147571-G-A. GRCh37 (hg19) VCF-style: chr7-147844663-G-A.
Other names: short protein forms D879N.
Identifiers: ClinVar variation 1465443 (VCV001465443.3), dbSNP rs201187461, ClinGen allele CA4546449.
Genomic context (GRCh38, chr7:148,147,571, plus strand): 5'-TCATTTGATGTGGGAAATGGGCCAGTAGAGATTGTAGTGAGGTCACCAACCCCTCTCAAC[G>A]ATGACCAGTGGCACCGGGTCACTGCAGAGAGGAATGTCAAGCAGGCCAGCCTACAGGTGG-3'
Protein context (NP_054860.1, residues 869-889): IVVRSPTPLN[Asp879Asn]DQWHRVTAER